The following is an entry in ClinVar:

NM_000352.6(ABCC8):c.1269C>T (p.Ile423=)

Gene: ABCC8 (ATP binding cassette subfamily C member 8; minus strand). Cytogenetic location: 11p15.1.
Variant type: single nucleotide variant.
Coding change: c.1269C>T on transcript NM_000352.6 (MANE Select); coding-DNA position 1269, C replaced by T.
Protein change: p.Ile423=; no amino-acid change (isoleucine 423 retained).
Molecular consequence: synonymous variant. On other transcripts: non-coding transcript variant (1).
Genome position (GRCh38, 1-based): chr11:17,448,579, G>A on the plus strand (C>T on the coding strand, the complement: ABCC8 is on the minus strand). VCF-style: chr11-17448579-G-A. GRCh37 (hg19) VCF-style: chr11-17470126-G-A.
Other names: c.1269C>T, p.Ile423= (NM_001287174.3, NM_001351295.2); c.1266C>T, p.Ile422= (NM_001351296.2, NM_001351297.2).
Identifiers: ClinVar variation 1078817 (VCV001078817.11), dbSNP rs370169777, ClinGen allele CA5903633.

ClinVar aggregate classification (germline): Conflicting classifications of pathogenicity. Review status: criteria provided, conflicting classifications (1 of 4 stars). 3 submissions from 2 submitters: Uncertain significance (2); Likely benign (1). Last evaluated 2025-12-23.

Conditions:
Maturity-onset diabetes of the young (MODY). Also called: Maturity onset diabetes mellitus in young. Identifiers: Orphanet 552, MedGen C0342276, MONDO:0018911, HP:0004904.
Transitory neonatal diabetes mellitus. Also called: Transient neonatal diabetes mellitus. Identifiers: MedGen C0342273, MONDO:0020525, HP:0008255.

Allele frequency attached by ClinVar (database versions not stated): ESP Exome Variant Server 0.00008.
gnomAD v4.1: 17 of 1,614,046 alleles (0.0011%); highest among the groups gnomAD compares: African/African-American, 0.0053%; no homozygotes.

Submissions (3):

Labcorp Genetics (formerly Invitae), Labcorp
Classification: Likely benign. Last evaluated: 2025-12-23. Review status: criteria provided, single submitter. Criteria: Invitae Variant Classification Sherloc (09022015). Collection method: clinical testing. Allele origin: germline.

Clinical Genomics, Uppaluri K&H Personalized Medicine Clinic
Classification: Uncertain significance for Maturity-onset diabetes of the young. Review status: criteria provided, single submitter. Criteria: K & H Uppaluri Personalized Medicine Clinic Variant Classification & Assertion Criteria_Updated V.1. Collection method: research. Allele origin: unknown. Inheritance: Somatic mutation.
Comment: Mutations in ABCC8 gene are associated with both neonatal diabetes mellitus as well as MODY. Patients with this mutation may have a better response to sulfonylureas. However, no sufficient evidence is found to ascertain the role of this particular variant ( rs370169777) in MODY yet.

Clinical Genomics, Uppaluri K&H Personalized Medicine Clinic
Classification: Uncertain significance for Transitory neonatal diabetes mellitus. Review status: criteria provided, single submitter. Criteria: K & H Uppaluri Personalized Medicine Clinic Variant Classification & Assertion Criteria_Updated V.1. Collection method: research. Allele origin: unknown. Inheritance: Somatic mutation.
Comment: Mutations in ABCC8 gene are associated with both neonatal diabetes mellitus as well as MODY. Patients with this mutation may have a better response to sulfonylureas. However, no sufficient evidence is found to ascertain the role of this particular variant ( rs370169777) in neonatal diabetes yet.

Literature cited by the submitters: PubMed 16885549 (cited by Clinical Genomics, Uppaluri K&H Personalized Medicine Clinic); PubMed 21989597 (cited by Clinical Genomics, Uppaluri K&H Personalized Medicine Clinic); PubMed 27538677 (cited by Clinical Genomics, Uppaluri K&H Personalized Medicine Clinic); PubMed 18981553 (cited by Clinical Genomics, Uppaluri K&H Personalized Medicine Clinic); PubMed 32027066 (cited by Clinical Genomics, Uppaluri K&H Personalized Medicine Clinic); PubMed 16613899 (cited by Clinical Genomics, Uppaluri K&H Personalized Medicine Clinic); PubMed 18025408 (cited by Clinical Genomics, Uppaluri K&H Personalized Medicine Clinic); PubMed 32792356 (cited by Clinical Genomics, Uppaluri K&H Personalized Medicine Clinic).